The following is an entry in ClinVar:

NM_052945.4(TNFRSF13C):c.431C>T (p.Ala144Val)

Gene: TNFRSF13C (TNF receptor superfamily member 13C; minus strand). Cytogenetic location: 22q13.2.
Variant type: single nucleotide variant.
Coding change: c.431C>T on transcript NM_052945.4 (MANE Select); coding-DNA position 431, C replaced by T.
Protein change: p.Ala144Val; replaces alanine 144 with valine.
Molecular consequence: missense variant.
Genome position (GRCh38, 1-based): chr22:41,925,491, G>A on the plus strand (C>T on the coding strand, the complement: TNFRSF13C is on the minus strand). VCF-style: chr22-41925491-G-A. GRCh37 (hg19) VCF-style: chr22-42321495-G-A.
Other names: c.431C>T (NM_052945.3); short protein forms A144V.
Identifiers: ClinVar variation 1461158 (VCV001461158.7), dbSNP rs1000961266, ClinGen allele CA324633320.

ClinVar aggregate classification (germline): Conflicting classifications of pathogenicity. Review status: criteria provided, conflicting classifications (1 of 4 stars). 2 submissions from 2 submitters: Uncertain significance (1); Likely benign (1). Last evaluated 2025-03-27.

Conditions:
Immunodeficiency, common variable, 4. Also called: ANTIBODY DEFICIENCY DUE TO BAFFR DEFECT. Identifiers: Orphanet 1572, Orphanet 696925, MedGen C3150739, MONDO:0013284, OMIM 613494.

Allele frequency attached by ClinVar (database versions not stated): TOPMed 0.00001; gnomAD exomes 0.00001.
gnomAD v4.1: 10 of 1,613,504 alleles (0.00062%); highest among the groups gnomAD compares: Non-Finnish European, 0.00068%; no homozygotes.

Submissions (2):

Labcorp Genetics (formerly Invitae), Labcorp
Classification: Uncertain significance for Immunodeficiency, common variable, 4. Last evaluated: 2025-03-27. Review status: criteria provided, single submitter. Criteria: Invitae Variant Classification Sherloc (09022015). Collection method: clinical testing. Allele origin: germline.
Comment: This sequence change replaces alanine, which is neutral and non-polar, with valine, which is neutral and non-polar, at codon 144 of the TNFRSF13C protein (p.Ala144Val). This variant is not present in population databases (gnomAD no frequency). This variant has not been reported in the literature in individuals affected with TNFRSF13C-related conditions. ClinVar contains an entry for this variant (Variation ID: 1461158). An algorithm developed to predict the effect of missense changes on protein structure and function outputs the following: PolyPhen-2: "Benign". The valine amino acid residue is found in multiple mammalian species, which suggests that this missense change does not adversely affect protein function. In summary, the available evidence is currently insufficient to determine the role of this variant in disease. Therefore, it has been classified as a Variant of Uncertain Significance.

Ambry Genetics
Classification: Likely benign. Last evaluated: 2024-08-26. Review status: criteria provided, single submitter. Criteria: Ambry Variant Classification Scheme 2023. Collection method: clinical testing. Allele origin: germline.